The following is an entry in ClinVar:

ClinVar aggregate classification (germline): Uncertain significance (1 of 4 stars; one submission).

Conditions:
Inborn genetic diseases. Identifiers: MedGen C0950123, MeSH D030342.

gnomAD v4.1: 3 of 1,614,156 alleles (0.00019%); highest among the groups gnomAD compares: South Asian, 0.0022%; no homozygotes.

Submission:

Ambry Genetics
Classification: Uncertain significance for Inborn genetic diseases. Last evaluated: 2025-09-26. Review status: criteria provided, single submitter. Criteria: Ambry Variant Classification Scheme 2023. Collection method: clinical testing. Allele origin: germline.
Comment: The p.S1311C variant (also known as c.3931A>T), located in coding exon 39 of the FANCA gene, results from an A to T substitution at nucleotide position 3931. The serine at codon 1311 is replaced by cysteine, an amino acid with dissimilar properties. This amino acid position is conserved. In addition, this alteration is predicted to be tolerated by in silico analysis. Based on the available evidence, the clinical significance of this variant remains unclear.

NM_000135.4(FANCA):c.3931A>T (p.Ser1311Cys)

Genes: ZNF276 (zinc finger protein 276; plus strand), FANCA (FA complementation group A; minus strand). Cytogenetic location: 16q24.3.
Variant type: single nucleotide variant.
Coding change: c.3931A>T on transcript NM_000135.4 (MANE Select); coding-DNA position 3931, A replaced by T.
Protein change: p.Ser1311Cys; replaces serine 1311 with cysteine.
Molecular consequence: missense variant. On other transcripts: 3 prime UTR variant (2), non-coding transcript variant (4).
Genome position (GRCh38, 1-based): chr16:89,739,997, T>A on the plus strand (A>T on the coding strand, the complement: FANCA is on the minus strand). VCF-style: chr16-89739997-T-A. GRCh37 (hg19) VCF-style: chr16-89806405-T-A.
Other names: c.3931A>T, p.Ser1311Cys (NM_001286167.3); c.*1751T>A (NM_001113525.2, NM_152287.4); short protein forms S1311C.
Identifiers: ClinVar variation 4619167 (VCV004619167.1).